The following is an entry in ClinVar:

NM_000069.3(CACNA1S):c.4565A>G (p.Lys1522Arg)

Gene: CACNA1S (calcium voltage-gated channel subunit alpha1 S; minus strand). Cytogenetic location: 1q32.1.
Variant type: single nucleotide variant.
Coding change: c.4565A>G on transcript NM_000069.3 (MANE Select); coding-DNA position 4565, A replaced by G.
Protein change: p.Lys1522Arg; replaces lysine 1522 with arginine.
Molecular consequence: missense variant.
Genome position (GRCh38, 1-based): chr1:201,047,218, T>C on the plus strand (A>G on the coding strand, the complement: CACNA1S is on the minus strand). VCF-style: chr1-201047218-T-C. GRCh37 (hg19) VCF-style: chr1-201016346-T-C.
Other names: c.4565A>G (NM_000069.2); short protein forms K1522R.
Identifiers: ClinVar variation 2158431 (VCV002158431.6), dbSNP rs763242241, ClinGen allele CA083447.

ClinVar aggregate classification (germline): Conflicting classifications of pathogenicity. Review status: criteria provided, conflicting classifications (1 of 4 stars). 3 submissions from 3 submitters: Uncertain significance (2); Benign (1). Last evaluated 2025-12-09.

Conditions:
Malignant hyperthermia, susceptibility to, 5 (MHS5). Also called: CACNA1S-Related Malignant Hyperthermia Susceptibility. Identifiers: Orphanet 423, MedGen C1866077, MONDO:0011163, OMIM 601887.
Hypokalemic periodic paralysis, type 1. Also called: Hypokalemic Periodic Paralysis Type 1 (AD); HypoPP. Identifiers: Orphanet 681, MedGen C3714580, MONDO:0042979, OMIM 170400.

Allele frequency attached by ClinVar (database versions not stated): TOPMed below 0.00001; ExAC 0.00009.
gnomAD v4.1: 47 of 1,614,210 alleles (0.0029%); highest among the groups gnomAD compares: South Asian, 0.044%; 1 homozygote.

Submissions (3):

Labcorp Genetics (formerly Invitae), Labcorp
Classification: Benign for Hypokalemic periodic paralysis, type 1; Malignant hyperthermia, susceptibility to, 5. Last evaluated: 2025-12-09. Review status: criteria provided, single submitter. Criteria: Invitae Variant Classification Sherloc (09022015). Collection method: clinical testing. Allele origin: germline.

Color Diagnostics, LLC DBA Color Health
Classification: Uncertain significance for Malignant hyperthermia, susceptibility to, 5. Last evaluated: 2025-06-23. Review status: criteria provided, single submitter. Criteria: ACMG Guidelines, 2015. Collection method: clinical testing. Allele origin: germline.
Comment: This missense variant replaces lysine with arginine at codon 1522 of the CACNA1S protein. Computational prediction suggests that this variant may have deleterious impact on protein structure and function. To our knowledge, functional studies have not been reported for this variant. This variant has not been reported in individuals affected with CACNA1S-related disorders in the literature. This variant has been identified in 11/251484 chromosomes in the general population by the Genome Aggregation Database (gnomAD). The available evidence is insufficient to determine the role of this variant in disease conclusively. Therefore, this variant is classified as a Variant of Uncertain Significance.

GeneDx
Classification: Uncertain significance. Last evaluated: 2024-03-08. Review status: criteria provided, single submitter. Criteria: GeneDx Variant Classification Process June 2021. Collection method: clinical testing. Allele origin: germline. Affected: yes.
Comment: In silico analysis supports that this missense variant has a deleterious effect on protein structure/function; Has not been previously published as pathogenic or benign to our knowledge